The following is an entry in ClinVar:

NM_033641.4(COL4A6):c.1384G>A (p.Glu462Lys)

Gene: COL4A6 (collagen type IV alpha 6 chain; minus strand). Cytogenetic location: Xq22.3.
Variant type: single nucleotide variant.
Coding change: c.1384G>A on transcript NM_033641.4 (MANE Select); coding-DNA position 1384, G replaced by A.
Protein change: p.Glu462Lys; replaces glutamic acid 462 with lysine.
Molecular consequence: missense variant.
Genome position (GRCh38, 1-based): chrX:108,190,434, C>T on the plus strand (G>A on the coding strand, the complement: COL4A6 is on the minus strand). VCF-style: chrX-108190434-C-T. GRCh37 (hg19) VCF-style: chrX-107433664-C-T.
Other names: c.1387G>A (NM_001847.3); c.1384G>A, p.Glu462Lys (NM_001287758.2, NM_001287759.2, NM_001287760.2); c.1387G>A, p.Glu463Lys (NM_001847.4); short protein forms E462K, E463K.
Identifiers: ClinVar variation 2351886 (VCV002351886.30), dbSNP rs756582576, ClinGen allele CA10487844.

ClinVar aggregate classification (germline): Conflicting classifications of pathogenicity. Review status: criteria provided, conflicting classifications (1 of 4 stars). 4 submissions from 4 submitters: Uncertain significance (2); Likely benign (1). 1 of the submissions does not count toward it. Last evaluated 2025-06-07.

Conditions:
COL4A6-related disorder. Also called: COL4A6-related condition.

Allele frequency attached by ClinVar (database versions not stated): ExAC 0.00003; gnomAD 0.00020; TOPMed 0.00038.
gnomAD v4.1: 52 of 1,205,902 alleles (0.0043%); highest among the groups gnomAD compares: Admixed American, 0.081%; no homozygotes.

Submissions (4):

Ambry Genetics
Classification: Uncertain significance. Last evaluated: 2025-06-07. Review status: criteria provided, single submitter. Criteria: Ambry Variant Classification Scheme 2023. Collection method: clinical testing. Allele origin: germline.

Labcorp Genetics (formerly Invitae), Labcorp
Classification: Uncertain significance. Last evaluated: 2024-03-27. Review status: criteria provided, single submitter. Criteria: Invitae Variant Classification Sherloc (09022015). Collection method: clinical testing. Allele origin: germline.
Comment: This sequence change replaces glutamic acid, which is acidic and polar, with lysine, which is basic and polar, at codon 463 of the COL4A6 protein (p.Glu463Lys). This variant is present in population databases (rs756582576, gnomAD 0.06%), and has an allele count higher than expected for a pathogenic variant. This variant has not been reported in the literature in individuals affected with COL4A6-related conditions. ClinVar contains an entry for this variant (Variation ID: 2351886). Algorithms developed to predict the effect of missense changes on protein structure and function output the following: SIFT: "Not Available"; PolyPhen-2: "Benign"; Align-GVGD: "Not Available". The lysine amino acid residue is found in multiple mammalian species, which suggests that this missense change does not adversely affect protein function. In summary, the available evidence is currently insufficient to determine the role of this variant in disease. Therefore, it has been classified as a Variant of Uncertain Significance.

CeGaT Center for Human Genetics Tuebingen
Classification: Likely benign. Last evaluated: 2023-03-01. Review status: criteria provided, single submitter. Criteria: CeGaT Center For Human Genetics Tuebingen Variant Classification Criteria Version 2. Collection method: clinical testing. Allele origin: germline. Affected: yes. Observed: 1 variant allele.
Comment: COL4A6: BS2

PreventionGenetics, part of Exact Sciences
Classification: Likely benign for COL4A6-related condition. Last evaluated: 2019-11-26. Review status: no assertion criteria provided. Collection method: clinical testing. Allele origin: germline. Not counted in ClinVar's aggregate classification.
Comment: This variant is classified as likely benign based on ACMG/AMP sequence variant interpretation guidelines (Richards et al. 2015 PMID: 25741868, with internal and published modifications).